The following is an entry in ClinVar:

ClinVar aggregate classification (germline): Uncertain significance (1 of 4 stars; one submission).

Conditions:
Cardiovascular phenotype. Identifiers: MedGen CN230736.

gnomAD v4.1: 1 of 1,613,980 alleles (0.000062%); highest among the groups gnomAD compares: African/African-American, 0.0013%; no homozygotes.

Submission:

Ambry Genetics
Classification: Uncertain significance for Cardiovascular phenotype. Last evaluated: 2026-01-10. Review status: criteria provided, single submitter. Criteria: Ambry Variant Classification Scheme 2023. Collection method: clinical testing. Allele origin: germline.
Comment: The p.S471P variant (also known as c.1411T>C), located in coding exon 11 of the TRPM4 gene, results from a T to C substitution at nucleotide position 1411. The serine at codon 471 is replaced by proline, an amino acid with similar properties. This amino acid position is conserved. In addition, this alteration is predicted to be tolerated by in silico analysis. Based on the available evidence, the clinical significance of this variant remains unclear.

NM_017636.4(TRPM4):c.1411T>C (p.Ser471Pro)

Gene: TRPM4 (transient receptor potential cation channel subfamily M member 4; plus strand). Cytogenetic location: 19q13.33.
Variant type: single nucleotide variant.
Coding change: c.1411T>C on transcript NM_017636.4 (MANE Select); coding-DNA position 1411, T replaced by C.
Protein change: p.Ser471Pro; replaces serine 471 with proline.
Molecular consequence: missense variant. On other transcripts: 5 prime UTR variant (1).
Genome position (GRCh38, 1-based): chr19:49,182,725, T>C. VCF-style: chr19-49182725-T-C. GRCh37 (hg19) VCF-style: chr19-49685982-T-C.
Other names: c.1411T>C, p.Ser471Pro (NM_001195227.2); c.1066T>C, p.Ser356Pro (NM_001321281.2); c.-143T>C (NM_001321282.2); c.889T>C, p.Ser297Pro (NM_001321283.2); c.349T>C, p.Ser117Pro (NM_001321285.2); short protein forms S117P, S471P, S297P, S356P.
Identifiers: ClinVar variation 4841822 (VCV004841822.1).